The following is an entry in ClinVar:

ClinVar aggregate classification (germline): Uncertain significance. Review status: criteria provided, multiple submitters, no conflicts (2 of 4 stars). 3 submissions from 3 submitters: Uncertain significance (3). Last evaluated 2025-06-03.

Conditions:
Inborn genetic diseases. Identifiers: MedGen C0950123, MeSH D030342.
Donnai-Barrow syndrome. Also called: DBS/FOAR SYNDROME; FACIOOCULOACOUSTICORENAL SYNDROME. Identifiers: Orphanet 2143, MedGen C1857277, MONDO:0009104, OMIM 222448.

Allele frequency attached by ClinVar (database versions not stated): gnomAD exomes below 0.00001 and 0.00001; ExAC 0.00001; gnomAD 0.00003 and 0.00004; TOPMed 0.00006.

Submissions (3):

Ambry Genetics
Classification: Uncertain significance for Inborn genetic diseases. Last evaluated: 2025-06-03. Review status: criteria provided, single submitter. Criteria: Ambry Variant Classification Scheme 2023. Collection method: clinical testing. Allele origin: germline.

Labcorp Genetics (formerly Invitae), Labcorp
Classification: Uncertain significance. Last evaluated: 2025-01-06. Review status: criteria provided, single submitter. Criteria: Invitae Variant Classification Sherloc (09022015). Collection method: clinical testing. Allele origin: germline.
Comment: This sequence change replaces alanine, which is neutral and non-polar, with valine, which is neutral and non-polar, at codon 1265 of the LRP2 protein (p.Ala1265Val). This variant is present in population databases (rs750783356, gnomAD 0.008%). This variant has not been reported in the literature in individuals affected with LRP2-related conditions. ClinVar contains an entry for this variant (Variation ID: 1521484). Invitae Evidence Modeling of protein sequence and biophysical properties (such as structural, functional, and spatial information, amino acid conservation, physicochemical variation, residue mobility, and thermodynamic stability) indicates that this missense variant is not expected to disrupt LRP2 protein function with a negative predictive value of 95%. In summary, the available evidence is currently insufficient to determine the role of this variant in disease. Therefore, it has been classified as a Variant of Uncertain Significance.

Fulgent Genetics
Classification: Uncertain significance for Donnai-Barrow syndrome. Last evaluated: 2022-03-22. Review status: criteria provided, single submitter. Criteria: ACMG Guidelines, 2015. Collection method: clinical testing. Allele origin: unknown.

NM_004525.3(LRP2):c.3794C>T (p.Ala1265Val)

Gene: LRP2 (LDL receptor related protein 2; minus strand). Cytogenetic location: 2q31.1.
Variant type: single nucleotide variant.
Coding change: c.3794C>T on transcript NM_004525.3 (MANE Select); coding-DNA position 3794, C replaced by T.
Protein change: p.Ala1265Val; replaces alanine 1265 with valine.
Molecular consequence: missense variant.
Genome position (GRCh38, 1-based): chr2:169,241,239, G>A on the plus strand (C>T on the coding strand, the complement: LRP2 is on the minus strand). VCF-style: chr2-169241239-G-A. GRCh37 (hg19) VCF-style: chr2-170097749-G-A.
Other names: c.3794C>T (NM_004525.2); short protein forms A1265V.
Identifiers: ClinVar variation 1521484 (VCV001521484.8), dbSNP rs750783356, ClinGen allele CA1954936.